The following is an entry in ClinVar:

NM_003072.5(SMARCA4):c.4734G>C (p.Glu1578Asp)

Gene: SMARCA4 (SWI/SNF related BAF chromatin remodeling complex subunit ATPase 4; plus strand). Cytogenetic location: 19p13.2.
Variant type: single nucleotide variant.
Coding change: c.4734G>C on transcript NM_003072.5 (MANE Select); coding-DNA position 4734, G replaced by C.
Protein change: p.Glu1578Asp; replaces glutamic acid 1578 with aspartic acid.
Molecular consequence: missense variant. On other transcripts: non-coding transcript variant (1).
Genome position (GRCh38, 1-based): chr19:11,059,851, G>C. VCF-style: chr19-11059851-G-C. GRCh37 (hg19) VCF-style: chr19-11170527-G-C.
Other names: c.4734G>C, p.Glu1578Asp (NM_001128844.3); c.4644G>C, p.Glu1548Asp (NM_001128845.2); c.4641G>C, p.Glu1547Asp (NM_001128846.2); c.4635G>C, p.Glu1545Asp (NM_001128847.4, NM_001374457.1); c.4632G>C, p.Glu1544Asp (NM_001128848.2); c.4830G>C, p.Glu1610Asp (NM_001128849.3, NM_001387283.1); c.4731G>C, p.Glu1577Asp (NM_001411150.1); short protein forms E1547D, E1610D, E1548D, E1578D, E1544D, E1577D, E1545D.
Identifiers: ClinVar variation 1743433 (VCV001743433.2), dbSNP rs878854230, ClinGen allele CA404079676.

ClinVar aggregate classification (germline): Uncertain significance (1 of 4 stars; one submission).

Conditions:
Hereditary cancer-predisposing syndrome. Also called: Hereditary Cancer Syndrome; Neoplastic Syndromes, Hereditary; Tumor predisposition; Hereditary neoplastic syndrome. Identifiers: Orphanet 140162, MedGen C0027672, MeSH D009386, MONDO:0015356.

Submission:

Ambry Genetics
Classification: Uncertain significance for Hereditary cancer-predisposing syndrome. Last evaluated: 2017-12-19. Review status: criteria provided, single submitter. Criteria: Ambry Variant Classification Scheme 2023. Collection method: clinical testing. Allele origin: germline.
Comment: The p.E1610D variant (also known as c.4830G>C), located in coding exon 33 of the SMARCA4 gene, results from a G to C substitution at nucleotide position 4830. The glutamic acid at codon 1610 is replaced by aspartic acid, an amino acid with highly similar properties. This amino acid position is well conserved in available vertebrate species. In addition, this alteration is predicted to be tolerated by in silico analysis. Since supporting evidence is limited at this time, the clinical significance of this alteration remains unclear.